The following is an entry in ClinVar:

ClinVar aggregate classification (germline): Pathogenic (1 of 4 stars; one submission).

Conditions:
Neuronal ceroid lipofuscinosis. Also called: Neuronal Ceroid Lipofuscinoses. Identifiers: Orphanet 216, Orphanet 79263, MedGen C0027877, MONDO:0016295. Disease mechanism: loss of function.

Submission:

Labcorp Genetics (formerly Invitae), Labcorp
Classification: Pathogenic for Neuronal ceroid lipofuscinosis. Last evaluated: 2025-11-18. Review status: criteria provided, single submitter. Criteria: Invitae Variant Classification Sherloc (09022015). Collection method: clinical testing. Allele origin: germline.
Comment: This sequence change affects the initiator codon of the CLN8 mRNA. This change may impact translation initiation or efficiency. The next in-frame methionine is located at codon 28. This variant is not present in population databases (gnomAD no frequency). Disruption of the initiator codon has been observed in individual(s) with clinical features of neuronal ceroid lipofuscinosis type 8 (PMID: 30741402, 31069529). This variant disrupts a region of the CLN8 protein in which other variant(s) (p.Arg24Gly) have been determined to be pathogenic (PMID: 10508524, 10861296, 15160397, 16828266). This suggests that this is a clinically significant region of the protein, and that variants that disrupt it are likely to be disease-causing. For these reasons, this variant has been classified as Pathogenic.

Literature cited by the submitters: PubMed 30741402; PubMed 31069529; PubMed 10508524; PubMed 10861296; PubMed 15160397; PubMed 16828266.

NM_018941.4(CLN8):c.1A>C (p.Met1Leu)

Gene: CLN8 (CLN8 transmembrane ER and ERGIC protein; plus strand). Cytogenetic location: 8p23.3.
Variant type: single nucleotide variant.
Coding change: c.1A>C on transcript NM_018941.4 (MANE Select); coding-DNA position 1, A replaced by C.
Protein change: p.Met1Leu; changes the start codon (methionine 1).
Molecular consequence: missense variant, initiator codon variant.
Genome position (GRCh38, 1-based): chr8:1,771,055, A>C. VCF-style: chr8-1771055-A-C. GRCh37 (hg19) VCF-style: chr8-1719221-A-C.
Other names: short protein forms M1L.
Identifiers: ClinVar variation 4803834 (VCV004803834.1).
Genomic context (GRCh38, chr8:1,771,055, plus strand): 5'-CACAGTGTAGGGCCCGGCCCGTGTTGGCCCCAGGACTCCTTTGGAATATAGCTGTGGACA[A>C]TGAATCCTGCGAGCGATGGGGGCACATCAGAGAGCATTTTTGACCTGGACTATGCATCCT-3'
Protein context (NP_061764.2, residues 1-11): [Met1Leu]NPASDGGTSE